The following is an entry in ClinVar:

ClinVar aggregate classification (germline): Uncertain significance. Review status: criteria provided, multiple submitters, no conflicts (2 of 4 stars). 2 submissions from 2 submitters: Uncertain significance (2). Last evaluated 2025-06-01.

Allele frequency attached by ClinVar (database versions not stated): gnomAD exomes below 0.00001.
gnomAD v4.1: 2 of 1,597,670 alleles (0.00013%); highest among the groups gnomAD compares: Non-Finnish European, 0.00017%; no homozygotes.

Submissions (2):

Women's Health and Genetics/Laboratory Corporation of America, LabCorp
Classification: Uncertain significance. Last evaluated: 2025-06-01. Review status: criteria provided, single submitter. Criteria: LabCorp Variant Classification Summary - May 2015. Collection method: clinical testing. Allele origin: germline.
Comment: Variant summary: GTPBP3 c.65G>T (p.Arg22Leu) results in a non-conservative amino acid change in the encoded protein sequence. Algorithms developed to predict the effect of missense changes on protein structure and function are either unavailable or do not agree on the potential impact of this missense change. The variant was absent in 228648 control chromosomes. The available data on variant occurrences in the general population are insufficient to allow any conclusion about variant significance. To our knowledge, no occurrence of c.65G>T in individuals affected with Combined Oxidative Phosphorylation Defect Type 23 and no experimental evidence demonstrating its impact on protein function have been reported. ClinVar contains an entry for this variant (Variation ID: 1911090). Based on the evidence outlined above, the variant was classified as uncertain significance.

Labcorp Genetics (formerly Invitae), Labcorp
Classification: Uncertain significance. Last evaluated: 2022-02-20. Review status: criteria provided, single submitter. Criteria: Invitae Variant Classification Sherloc (09022015). Collection method: clinical testing. Allele origin: germline.
Comment: This sequence change replaces arginine, which is basic and polar, with leucine, which is neutral and non-polar, at codon 22 of the GTPBP3 protein (p.Arg22Leu). This variant is not present in population databases (gnomAD no frequency). This variant has not been reported in the literature in individuals affected with GTPBP3-related conditions. Algorithms developed to predict the effect of missense changes on protein structure and function (SIFT, PolyPhen-2, Align-GVGD) all suggest that this variant is likely to be tolerated. In summary, the available evidence is currently insufficient to determine the role of this variant in disease. Therefore, it has been classified as a Variant of Uncertain Significance.

NM_032620.4(GTPBP3):c.65G>T (p.Arg22Leu)

Gene: GTPBP3 (GTP binding protein 3, mitochondrial; plus strand). Cytogenetic location: 19p13.11.
Variant type: single nucleotide variant.
Coding change: c.65G>T on transcript NM_032620.4 (MANE Select); coding-DNA position 65, G replaced by T.
Protein change: p.Arg22Leu; replaces arginine 22 with leucine.
Molecular consequence: missense variant.
Genome position (GRCh38, 1-based): chr19:17,338,019, G>T. VCF-style: chr19-17338019-G-T. GRCh37 (hg19) VCF-style: chr19-17448828-G-T.
Other names: c.65G>T, p.Arg22Leu (NM_001128855.3, NM_133644.4); c.131G>T, p.Arg44Leu (NM_001195422.1); short protein forms R22L, R44L.
Identifiers: ClinVar variation 1911090 (VCV001911090.6), dbSNP rs2074384049, ClinGen allele CA404731439.